The following is an entry in ClinVar:

ClinVar aggregate classification (germline): Uncertain significance (1 of 4 stars; one submission).

Conditions:
Hereditary cancer-predisposing syndrome. Also called: Tumor predisposition; Hereditary neoplastic syndrome; Hereditary Cancer Syndrome; Neoplastic Syndromes, Hereditary. Identifiers: Orphanet 140162, MedGen C0027672, MeSH D009386, MONDO:0015356.

Submission:

Ambry Genetics
Classification: Uncertain significance for Hereditary cancer-predisposing syndrome. Last evaluated: 2023-10-13. Review status: criteria provided, single submitter. Criteria: Ambry Variant Classification Scheme 2023. Collection method: clinical testing. Allele origin: germline.
Comment: The p.V1405E variant (also known as c.4214T>A), located in coding exon 29 of the ALK gene, results from a T to A substitution at nucleotide position 4214. The valine at codon 1405 is replaced by glutamic acid, an amino acid with dissimilar properties. This amino acid position is conserved. In addition, this alteration is predicted to be tolerated by in silico analysis. Since supporting evidence is limited at this time, the clinical significance of this alteration remains unclear.

NM_004304.5(ALK):c.4214T>A (p.Val1405Glu)

Gene: ALK (ALK receptor tyrosine kinase; minus strand). Cytogenetic location: 2p23.2.
Variant type: single nucleotide variant.
Coding change: c.4214T>A on transcript NM_004304.5 (MANE Select); coding-DNA position 4214, T replaced by A.
Protein change: p.Val1405Glu; replaces valine 1405 with glutamic acid.
Molecular consequence: missense variant.
Genome position (GRCh38, 1-based): chr2:29,193,873, A>T on the plus strand (T>A on the coding strand, the complement: ALK is on the minus strand). VCF-style: chr2-29193873-A-T. GRCh37 (hg19) VCF-style: chr2-29416739-A-T.
Other names: c.1010T>A, p.Val337Glu (NM_001353765.2); short protein forms V1405E, V337E.
Identifiers: ClinVar variation 3223896 (VCV003223896.1), dbSNP rs777760767, ClinGen allele CA346463290.